The following is an entry in ClinVar:

NM_001127222.2(CACNA1A):c.4505T>G (p.Val1502Gly)

Gene: CACNA1A (calcium voltage-gated channel subunit alpha1 A; minus strand). Cytogenetic location: 19p13.13.
Variant type: single nucleotide variant.
Coding change: c.4505T>G on transcript NM_001127222.2 (MANE Select); coding-DNA position 4505, T replaced by G.
Protein change: p.Val1502Gly; replaces valine 1502 with glycine.
Molecular consequence: missense variant.
Genome position (GRCh38, 1-based): chr19:13,257,435, A>C on the plus strand (T>G on the coding strand, the complement: CACNA1A is on the minus strand). VCF-style: chr19-13257435-A-C. GRCh37 (hg19) VCF-style: chr19-13368249-A-C.
Other names: c.4517T>G, p.Val1506Gly (NM_000068.4, NM_023035.3); c.4508T>G, p.Val1503Gly (NM_001127221.2, NM_001174080.2); short protein forms V1502G, V1503G, V1506G.
Identifiers: ClinVar variation 3901302 (VCV003901302.1).

ClinVar aggregate classification (germline): Uncertain significance (1 of 4 stars; one submission).

Submission:

GeneDx
Classification: Uncertain significance. Last evaluated: 2024-12-03. Review status: criteria provided, single submitter. Criteria: GeneDx Variant Classification Process June 2021. Collection method: clinical testing. Allele origin: germline. Affected: yes.
Comment: Not observed at significant frequency in large population cohorts (gnomAD); In silico analysis supports that this missense variant has a deleterious effect on protein structure/function; Has not been previously published as pathogenic or benign to our knowledge